The following is an entry in ClinVar:

ClinVar aggregate classification (germline): Conflicting classifications of pathogenicity. Review status: criteria provided, conflicting classifications (1 of 4 stars). 7 submissions from 6 submitters: Likely pathogenic (1); Uncertain significance (5). 1 of the submissions does not count toward it. Last evaluated 2025-12-29.

Conditions:
USH2A-related disorder. Also called: USH2A-related condition; USH2A-related disorders. Identifiers: MedGen CN239332.
Retinitis pigmentosa 39 (RP39). Identifiers: Orphanet 791, MedGen C3151138, MONDO:0013436, OMIM 613809.
Usher syndrome type 2A. Also called: USHER SYNDROME, TYPE IIA; RETINAL DISEASE IN USHER SYNDROME TYPE IIA, MODIFIER OF. Identifiers: Orphanet 231178, Orphanet 886, MedGen C1848634, MONDO:0010169, OMIM 276901.

Allele frequency attached by ClinVar (database versions not stated): ExAC 0.00001; gnomAD exomes 0.00001; TOPMed 0.00001.
gnomAD v4.1: 3 of 1,614,074 alleles (0.00019%); highest among the groups gnomAD compares: Non-Finnish European, 0.00025%; no homozygotes.

Submissions (7):

PreventionGenetics, part of Exact Sciences
Classification: Uncertain significance for USH2A-related condition. Last evaluated: 2025-12-29. Review status: criteria provided, single submitter. Criteria: ACMG Guidelines, 2015. Collection method: clinical testing. Allele origin: germline.
Comment: The USH2A c.3664G>A variant is predicted to result in the amino acid substitution p.Ala1222Thr. This variant was reported in a cohort of individuals with retinitis pigmentosa (supplementary data, Reurink et al. 2023. PubMed ID: 36785559). This variant is reported in 0.0018% of alleles in individuals of European (Non-Finnish) descent in gnomAD. At this time, the clinical significance of this variant is uncertain due to the absence of conclusive functional and genetic evidence.

Labcorp Genetics (formerly Invitae), Labcorp
Classification: Uncertain significance. Last evaluated: 2025-12-18. Review status: criteria provided, single submitter. Criteria: Invitae Variant Classification Sherloc (09022015). Collection method: clinical testing. Allele origin: germline.
Comment: This sequence change replaces alanine, which is neutral and non-polar, with threonine, which is neutral and polar, at codon 1222 of the USH2A protein (p.Ala1222Thr). This variant is present in population databases (rs761752531, gnomAD 0.002%). This missense change has been observed in individual(s) with USH2A-related conditions (PMID: 36785559). ClinVar contains an entry for this variant (Variation ID: 444206). Invitae Evidence Modeling of protein sequence and biophysical properties (such as structural, functional, and spatial information, amino acid conservation, physicochemical variation, residue mobility, and thermodynamic stability) has been performed for this missense variant. However, the output from this modeling did not meet the statistical confidence thresholds required to predict the impact of this variant on USH2A protein function. In summary, the available evidence is currently insufficient to determine the role of this variant in disease. Therefore, it has been classified as a Variant of Uncertain Significance.

Blueprint Genetics
Classification: Likely pathogenic for USH2A-related disorders. Last evaluated: 2023-12-15. Review status: criteria provided, single submitter. Criteria: ACMG Guidelines, 2015. Collection method: clinical testing. Allele origin: germline. Affected: yes. Observed: 3 variant alleles.

Genome-Nilou Lab
Classification: Uncertain significance for Retinitis pigmentosa 39. Last evaluated: 2023-11-04. Review status: criteria provided, single submitter. Criteria: ACMG Guidelines, 2015. Collection method: clinical testing. Allele origin: germline. Affected: no.

Genome-Nilou Lab
Classification: Uncertain significance for Usher syndrome type 2A. Last evaluated: 2023-11-04. Review status: criteria provided, single submitter. Criteria: ACMG Guidelines, 2015. Collection method: clinical testing. Allele origin: germline. Affected: no.

CeGaT Center for Human Genetics Tuebingen
Classification: Uncertain significance. Last evaluated: 2017-04-01. Review status: criteria provided, single submitter. Criteria: CeGaT Center For Human Genetics Tuebingen Variant Classification Criteria Version 2. Collection method: clinical testing. Allele origin: germline. Affected: yes. Observed: 1 variant allele.

Natera, Inc.
Classification: Uncertain significance for Usher syndrome type 2A. Last evaluated: 2020-12-26. Review status: no assertion criteria provided. Collection method: clinical testing. Allele origin: germline. Not counted in ClinVar's aggregate classification.

Literature cited by the submitters: PubMed 36785559 (cited by Labcorp Genetics (formerly Invitae), Labcorp).

NM_206933.4(USH2A):c.3664G>A (p.Ala1222Thr)

Genes: USH2A (usherin; minus strand), USH2A-AS1 (USH2A antisense RNA 1; plus strand). Cytogenetic location: 1q41.
Variant type: single nucleotide variant.
Coding change: c.3664G>A on transcript NM_206933.4 (MANE Select); coding-DNA position 3664, G replaced by A.
Protein change: p.Ala1222Thr; replaces alanine 1222 with threonine.
Molecular consequence: missense variant.
Genome position (GRCh38, 1-based): chr1:216,199,774, C>T on the plus strand (G>A on the coding strand, the complement: USH2A is on the minus strand). VCF-style: chr1-216199774-C-T. GRCh37 (hg19) VCF-style: chr1-216373116-C-T.
Other names: c.3664G>A, p.Ala1222Thr (NM_007123.6); c.3664G>A (NM_206933.2); short protein forms A1222T.
Identifiers: ClinVar variation 444206 (VCV000444206.50), dbSNP rs761752531, ClinGen allele CA1395948.